The following is an entry in ClinVar:

NM_013275.6(ANKRD11):c.6514G>A (p.Gly2172Arg)

Gene: ANKRD11 (ankyrin repeat domain 11; minus strand). Cytogenetic location: 16q24.3.
Variant type: single nucleotide variant.
Coding change: c.6514G>A on transcript NM_013275.6 (MANE Select); coding-DNA position 6514, G replaced by A.
Protein change: p.Gly2172Arg; replaces glycine 2172 with arginine.
Molecular consequence: missense variant.
Genome position (GRCh38, 1-based): chr16:89,280,028, C>T on the plus strand (G>A on the coding strand, the complement: ANKRD11 is on the minus strand). VCF-style: chr16-89280028-C-T. GRCh37 (hg19) VCF-style: chr16-89346436-C-T.
Other names: c.6514G>A, p.Gly2172Arg (NM_001256182.2, NM_001256183.2); short protein forms G2172R.
Identifiers: ClinVar variation 2183750 (VCV002183750.4), dbSNP rs369545274, ClinGen allele CA8241414.
Genomic context (GRCh38, chr16:89,280,028, plus strand): 5'-GAGGCAGTGCCGGCGGCTCCTCAGCCACTACGGTGGAAACATCCCCACCGTTTATGACCC[C>T]GGGGGCCCCTGGAGGCATCTCTTCTGGAGGAGCAAGACTTTCTTCCACGGGTTCCGCTTC-3'
Protein context (NP_037407.4, residues 2162-2182): PPEEMPPGAP[Gly2172Arg]VINGGDVSTV

ClinVar aggregate classification (germline): Uncertain significance (1 of 4 stars; one submission).

Conditions:
KBG syndrome (KBGS). Also called: ANKRD11-Related KBG Syndrome. Identifiers: Orphanet 2332, MedGen C0220687, MONDO:0007846, OMIM 148050.

Allele frequency attached by ClinVar (database versions not stated): gnomAD exomes 0.00001; gnomAD 0.00002; TOPMed 0.00002; ExAC 0.00003; ESP Exome Variant Server 0.00008.
gnomAD v4.1: 19 of 1,612,608 alleles (0.0012%); highest among the groups gnomAD compares: Non-Finnish European, 0.0016%; no homozygotes.

Submission:

Labcorp Genetics (formerly Invitae), Labcorp
Classification: Uncertain significance for KBG syndrome. Last evaluated: 2024-02-12. Review status: criteria provided, single submitter. Criteria: Invitae Variant Classification Sherloc (09022015). Collection method: clinical testing. Allele origin: germline.
Comment: This sequence change replaces glycine, which is neutral and non-polar, with arginine, which is basic and polar, at codon 2172 of the ANKRD11 protein (p.Gly2172Arg). This variant is present in population databases (rs369545274, gnomAD 0.007%). This variant has not been reported in the literature in individuals affected with ANKRD11-related conditions. ClinVar contains an entry for this variant (Variation ID: 2183750). Advanced modeling of protein sequence and biophysical properties (such as structural, functional, and spatial information, amino acid conservation, physicochemical variation, residue mobility, and thermodynamic stability) performed at Invitae indicates that this missense variant is not expected to disrupt ANKRD11 protein function with a negative predictive value of 95%. In summary, the available evidence is currently insufficient to determine the role of this variant in disease. Therefore, it has been classified as a Variant of Uncertain Significance.